The following is an entry in ClinVar:

ClinVar aggregate classification (germline): Pathogenic (1 of 4 stars; one submission).

Submission:

Labcorp Genetics (formerly Invitae), Labcorp
Classification: Pathogenic. Last evaluated: 2021-12-08. Review status: criteria provided, single submitter. Criteria: Invitae Variant Classification Sherloc (09022015). Collection method: clinical testing. Allele origin: germline.
Comment: For these reasons, this variant has been classified as Pathogenic. This variant has not been reported in the literature in individuals affected with CHM-related conditions. This variant is not present in population databases (gnomAD no frequency). This sequence change creates a premature translational stop signal (p.Leu56Valfs*11) in the CHM gene. It is expected to result in an absent or disrupted protein product. Loss-of-function variants in CHM are known to be pathogenic (PMID: 9067750, 23811034).

Literature cited by the submitters: PubMed 9067750; PubMed 23811034.

NM_000390.4(CHM):c.166_167del (p.Leu56fs)

Gene: CHM (CHM Rab escort protein; minus strand). Cytogenetic location: Xq21.2.
Variant type: Deletion.
Coding change: c.166_167del on transcript NM_000390.4 (MANE Select); coding-DNA positions 166 to 167, 2 bases deleted (TT; older notation c.166_167delTT).
Protein change: p.Leu56fs; shifts the reading frame from leucine 56.
Molecular consequence: frameshift variant. On other transcripts: 5 prime UTR variant (4).
Genome position (GRCh38, 1-based): chrX:85,981,759-85,981,760, AA deleted on the plus strand (TT on the coding strand, the reverse complement: CHM is on the minus strand). VCF-style (leftmost placement, unchanged base first): chrX-85981758-CAA-C. GRCh37 (hg19) VCF-style: chrX-85236762-CAA-C.
Other names: c.166_167del, p.Leu56fs (NM_001145414.4); c.-279_-278del (NM_001320959.1, NM_001362517.1); c.-275_-274del (NM_001362518.2, NM_001362519.1); short protein forms L56fs.
Identifiers: ClinVar variation 2038342 (VCV002038342.4), dbSNP rs2520327622, ClinGen allele CA2580102039.